The following is an entry in ClinVar:

ClinVar aggregate classification (germline): Uncertain significance (1 of 4 stars; one submission).

gnomAD v4.1: 29 of 1,605,676 alleles (0.0018%); highest among the groups gnomAD compares: East Asian, 0.016%; no homozygotes.

Submission:

CeGaT Center for Human Genetics Tuebingen
Classification: Uncertain significance. Last evaluated: 2024-08-01. Review status: criteria provided, single submitter. Criteria: CeGaT Center For Human Genetics Tuebingen Variant Classification Criteria Version 2. Collection method: clinical testing. Allele origin: germline. Affected: yes. Observed: 1 variant allele.
Comment: IQSEC1: PM2

NM_001134382.3(IQSEC1):c.1604G>A (p.Arg535His)

Gene: IQSEC1 (IQ motif and Sec7 domain ArfGEF 1; minus strand). Cytogenetic location: 3p25.2.
Variant type: single nucleotide variant.
Coding change: c.1604G>A on transcript NM_001134382.3 (MANE Select); coding-DNA position 1604, G replaced by A.
Protein change: p.Arg535His; replaces arginine 535 with histidine.
Molecular consequence: missense variant.
Genome position (GRCh38, 1-based): chr3:12,924,707, C>T on the plus strand (G>A on the coding strand, the complement: IQSEC1 is on the minus strand). VCF-style: chr3-12924707-C-T. GRCh37 (hg19) VCF-style: chr3-12966207-C-T.
Other names: c.1280G>A, p.Arg427His (NM_001330619.3); c.1928G>A, p.Arg643His (NM_001376938.2); c.1646G>A, p.Arg549His (NM_014869.8); short protein forms R427H, R535H, R549H, R643H.
Identifiers: ClinVar variation 3342054 (VCV003342054.16).